The following is an entry in ClinVar:

ClinVar aggregate classification (germline): Uncertain significance (1 of 4 stars; one submission).

Conditions:
Hereditary cancer-predisposing syndrome. Also called: Neoplastic Syndromes, Hereditary; Hereditary Cancer Syndrome; Hereditary neoplastic syndrome; Tumor predisposition. Identifiers: Orphanet 140162, MedGen C0027672, MeSH D009386, MONDO:0015356.

Submission:

Ambry Genetics
Classification: Uncertain significance for Hereditary cancer-predisposing syndrome. Last evaluated: 2023-06-01. Review status: criteria provided, single submitter. Criteria: Ambry Variant Classification Scheme 2023. Collection method: clinical testing. Allele origin: germline.
Comment: The p.T590S variant (also known as c.1768A>T), located in coding exon 11 of the RAD50 gene, results from an A to T substitution at nucleotide position 1768. The threonine at codon 590 is replaced by serine, an amino acid with similar properties. This amino acid position is conserved. In addition, this alteration is predicted to be tolerated by in silico analysis. Since supporting evidence is limited at this time, the clinical significance of this alteration remains unclear.

NM_005732.4(RAD50):c.1768A>T (p.Thr590Ser)

Gene: RAD50 (RAD50 double strand break repair protein; plus strand). Cytogenetic location: 5q31.1.
Variant type: single nucleotide variant.
Coding change: c.1768A>T on transcript NM_005732.4 (MANE Select); coding-DNA position 1768, A replaced by T.
Protein change: p.Thr590Ser; replaces threonine 590 with serine.
Molecular consequence: missense variant.
Genome position (GRCh38, 1-based): chr5:132,592,009, A>T. VCF-style: chr5-132592009-A-T. GRCh37 (hg19) VCF-style: chr5-131927701-A-T.
Other names: short protein forms T590S.
Identifiers: ClinVar variation 2565952 (VCV002565952.2), dbSNP rs2479643836, ClinGen allele CA360946721.